The following is an entry in ClinVar:

ClinVar aggregate classification (germline): Benign/Likely benign. Review status: criteria provided, multiple submitters, no conflicts (2 of 4 stars). 4 submissions from 4 submitters: Benign (1); Likely benign (3). Last evaluated 2025-05-25.

Conditions:
Aneurysm-osteoarthritis syndrome. Also called: ANEURYSMS-OSTEOARTHRITIS SYNDROME; Loeys-Dietz syndrome, type 1C; SMAD3-Related Loeys-Dietz Syndrome; LOEYS-DIETZ SYNDROME WITH OSTEOARTHRITIS. Identifiers: Orphanet 284984, MedGen C3151087, MONDO:0013426, OMIM 613795.
Familial thoracic aortic aneurysm and aortic dissection (TAAD). Also called: Thoracic aortic aneurysms and dissections. Identifiers: Orphanet 91387, MedGen C4707243, MONDO:0019625.

Allele frequency attached by ClinVar (database versions not stated): gnomAD exomes 0.00003 and 0.00006; ExAC 0.00010; ESP Exome Variant Server 0.00015; gnomAD 0.00026; TOPMed 0.00028; 1000 Genomes Project 30x 0.00078; 1000 Genomes Project 0.00080.
gnomAD v4.1: 86 of 1,612,542 alleles (0.0053%); highest among the groups gnomAD compares: African/African-American, 0.083%; no homozygotes.

Submissions (4):

Labcorp Genetics (formerly Invitae), Labcorp
Classification: Benign for Familial thoracic aortic aneurysm and aortic dissection. Last evaluated: 2025-05-25. Review status: criteria provided, single submitter. Criteria: Invitae Variant Classification Sherloc (09022015). Collection method: clinical testing. Allele origin: germline.

All of Us Research Program, National Institutes of Health
Classification: Likely benign for Aneurysm-osteoarthritis syndrome. Last evaluated: 2023-11-30. Review status: criteria provided, single submitter. Criteria: ACMG Guidelines, 2015. Collection method: clinical testing. Allele origin: germline. Inheritance: Autosomal dominant inheritance. Observed: 10 variant alleles, 10 heterozygotes.
Comment: This study involves interpretation of variants in research participants for the purpose of population health screening. Participant phenotype was not available at the time of variant classification. Additional details can be found in publication PMID: 35346344, PMCID: PMC8962531

GeneDx
Classification: Likely benign. Last evaluated: 2020-07-29. Review status: criteria provided, single submitter. Criteria: GeneDx Variant Classification Process June 2021. Collection method: clinical testing. Allele origin: germline. Affected: yes.

Color Diagnostics, LLC DBA Color Health
Classification: Likely benign for Familial thoracic aortic aneurysm and aortic dissection. Last evaluated: 2019-05-20. Review status: criteria provided, single submitter. Criteria: ACMG Guidelines, 2015. Collection method: clinical testing. Allele origin: germline.

NM_005902.4(SMAD3):c.207-11C>T

Gene: SMAD3 (SMAD family member 3; plus strand). Cytogenetic location: 15q22.33.
Variant type: single nucleotide variant.
Coding change: c.207-11C>T on transcript NM_005902.4 (MANE Select); 11 bases into the intron before coding-DNA position 207, C replaced by T.
Molecular consequence: intron variant.
Genome position (GRCh38, 1-based): chr15:67,164,884, C>T. VCF-style: chr15-67164884-C-T. GRCh37 (hg19) VCF-style: chr15-67457222-C-T.
Other names: c.-109-11C>T (NM_001145102.2); c.75-11C>T (NM_001145103.2).
Identifiers: ClinVar variation 390133 (VCV000390133.14), dbSNP rs148430981, ClinGen allele CA061942.